The following is an entry in ClinVar:

ClinVar aggregate classification (germline): Benign. Review status: criteria provided, multiple submitters, no conflicts (2 of 4 stars). 2 submissions from 2 submitters: Benign (2). Last evaluated 2016-03-29.

Allele frequency attached by ClinVar (database versions not stated): ESP Exome Variant Server 0.91319; gnomAD 0.91872 and 0.92120; ExAC 0.92158; TOPMed 0.92368; gnomAD exomes 0.92381; 1000 Genomes Project 0.94908; 1000 Genomes Project 30x 0.94988.
gnomAD v4.1: 1,468,904 of 1,612,592 alleles (91%); highest among the groups gnomAD compares: East Asian, 97%; 669,761 homozygotes.

Submissions (2):

Laboratory for Molecular Medicine, Mass General Brigham Personalized Medicine
Classification: Benign. Last evaluated: 2016-03-29. Review status: criteria provided, single submitter. Criteria: LMM Criteria. Collection method: clinical testing. Allele origin: germline.
Comment: Variant identified in a genome or exome case(s) and assessed due to predicted null impact of the variant or pathogenic assertions in the literature or databases. Disclaimer: This variant has not undergone full assessment. The following are preliminary notes: Frequency

Breakthrough Genomics
Classification: Benign. Review status: criteria provided, single submitter. Criteria: ACMG Guidelines, 2015. Collection method: not provided. Allele origin: germline. Inheritance: Unknown mechanism. Affected: yes.

NM_001350197.2(EVI5):c.1737A>G (p.Gln579=)

Gene: EVI5 (ecotropic viral integration site 5; minus strand). Cytogenetic location: 1p22.1.
Variant type: single nucleotide variant.
Coding change: c.1737A>G on transcript NM_001350197.2 (MANE Select); coding-DNA position 1737, A replaced by G.
Protein change: p.Gln579=; no amino-acid change (glutamine 579 retained).
Molecular consequence: synonymous variant.
Genome position (GRCh38, 1-based): chr1:92,624,266, T>C on the plus strand (A>G on the coding strand, the complement: EVI5 is on the minus strand). VCF-style: chr1-92624266-T-C. GRCh37 (hg19) VCF-style: chr1-93089823-T-C.
Other names: c.1722A>G, p.Gln574= (NM_001308248.2); c.1737A>G, p.Gln579= (NM_001350198.2); c.1713A>G, p.Gln571= (NM_001377210.1); c.1695A>G, p.Gln565= (NM_001377211.1); c.1590A>G, p.Gln530= (NM_001377212.1); c.1818A>G, p.Gln606= (NM_001377213.1); c.1689A>G, p.Gln563= (NM_005665.6).
Identifiers: ClinVar variation 402838 (VCV000402838.5), dbSNP rs7514716, ClinGen allele CA951743.
Genomic context (GRCh38, chr1:92,624,266, plus strand): 5'-TATTTCTCTTATTTCTGCTTGTGTTTCAGCTTCTCTAAGTCGAATGGTCATCAGTTCATC[T>C]TGTAACTCATTCATAGCATTTTTCTTGGGTGGGTCTTTCCATCTCCCAGTAGTACGAGCT-3'
Protein context (NP_001337126.1, residues 569-589): PPKKNAMNEL[Gln579=]DELMTIRLRE